The following is an entry in ClinVar:

NM_181486.4(TBX5):c.663+4A>T

Gene: TBX5 (T-box transcription factor 5; minus strand). Cytogenetic location: 12q24.21.
Variant type: single nucleotide variant.
Coding change: c.663+4A>T on transcript NM_181486.4 (MANE Select); 4 bases into the intron after coding-DNA position 663, A replaced by T.
Molecular consequence: intron variant.
Genome position (GRCh38, 1-based): chr12:114,394,737, T>A on the plus strand (A>T on the coding strand, the complement: TBX5 is on the minus strand). VCF-style: chr12-114394737-T-A. GRCh37 (hg19) VCF-style: chr12-114832542-T-A.
Other names: c.513+4A>T (NM_080717.4); c.663+4A>T (NM_000192.3).
Identifiers: ClinVar variation 1805037 (VCV001805037.1), dbSNP rs2540466844, ClinGen allele CA1139771277.

ClinVar aggregate classification (germline): Uncertain significance (1 of 4 stars; one submission).

Conditions:
Holt-Oram syndrome (HOS). Also called: Ventriculo-radial syndrome; Cardiac-limb syndrome; Heart-hand syndrome, type 1; TBX5-Related Holt-Oram Syndrome. Identifiers: Orphanet 392, MedGen C0265264, MONDO:0007732, OMIM 142900.

Submission:

Victorian Clinical Genetics Services, Murdoch Childrens Research Institute
Classification: Uncertain significance for Holt-Oram syndrome. Last evaluated: 2021-05-06. Review status: criteria provided, single submitter. Criteria: ACMG Guidelines, 2015. Collection method: clinical testing. Allele origin: germline. Inheritance: Autosomal dominant inheritance. Affected: yes.
Comment: Based on the classification scheme VCGS_Germline_v1.3.4, this variant is classified as VUS-3B. Following criteria are met: 0103 - Loss of function and gain of function are known mechanisms of disease in this gene and are associated with Holt-Oram syndrome (MIM#142900). Variants resulting in a premature termination codon have a loss of function effect, while both loss- and gain of function have been demonstrated by missense variants (PMID: 18451335). Dominant negative has also been suggested as a mechanism in individuals with severe congenital heart disease (PMID: 30552424). (I) 0107 - This gene is associated with autosomal dominant disease. (I) 0112 - The condition associated with this gene has incomplete penetrance (PMID: 30552424). (I) 0212 - Non-canonical splice site variant without proven consequence on splicing (no functional evidence available). (SP) 0251 - This variant is heterozygous. (I) 0301 - Variant is absent from gnomAD (both v2 and v3). (SP) 0506 - Abnormal splicing is not predicted but the nucleotide is highly conserved. (I) 0705 - No comparable splice variants have previous evidence for pathogenicity. (I) 0807 - This variant has no previous evidence of pathogenicity. (I) 0905 - No published segregation evidence has been identified for this variant. (I) 1007 - No published functional evidence has been identified for this variant. (I) 1208 - Inheritance information for this variant is not currently available in this individual. (I) Legend: (SP) - Supporting pathogenic, (I) - Information, (SB) - Supporting benign

Literature cited by the submitters: PubMed 18451335; PubMed 30552424.